The following is an entry in ClinVar:

ClinVar aggregate classification (germline): Pathogenic/Likely pathogenic. Review status: criteria provided, multiple submitters, no conflicts (2 of 4 stars). 2 submissions from 2 submitters: Pathogenic (1); Likely pathogenic (1). Last evaluated 2020-12-03.

Conditions:
Autosomal recessive polycystic kidney disease (ARPKD). Also called: AR polycystic kidney disease. Identifiers: Orphanet 731, Orphanet 8378, MedGen C0085548, MeSH D017044, MONDO:0009889.
Polycystic kidney disease 4 (PKD4). Also called: PKD3; POLYCYSTIC KIDNEY AND HEPATIC DISEASE 1; POLYCYSTIC KIDNEY DISEASE, INFANTILE, TYPE I; POLYCYSTIC KIDNEY DISEASE 4 WITH OR WITHOUT POLYCYSTIC LIVER DISEASE; Autosomal Recessive Polycystic Kidney Disease – PKHD1. Identifiers: MedGen C4540575, MONDO:0033004, OMIM 263200.

Submissions (2):

Revvity Omics, Revvity
Classification: Pathogenic for Polycystic kidney disease 4. Last evaluated: 2020-12-03. Review status: criteria provided, single submitter. Criteria: ACMG Guidelines, 2015. Collection method: clinical testing. Allele origin: germline.

Labcorp Genetics (formerly Invitae), Labcorp
Classification: Likely pathogenic for Autosomal recessive polycystic kidney disease. Last evaluated: 2019-08-18. Review status: criteria provided, single submitter. Criteria: Invitae Variant Classification Sherloc (09022015). Collection method: clinical testing. Allele origin: germline.
Comment: In summary, the currently available evidence indicates that the variant is pathogenic, but additional data are needed to prove that conclusively. Therefore, this variant has been classified as Likely Pathogenic. Donor and acceptor splice site variants typically lead to a loss of protein function (PMID: 16199547), and loss-of-function variants in PKHD1 are known to be pathogenic (PMID: 19940839). This variant has not been reported in the literature in individuals with PKHD1-related conditions. This variant is not present in population databases (ExAC no frequency). This sequence change affects an acceptor splice site in intron 30 of the PKHD1 gene. It is expected to disrupt RNA splicing and likely results in an absent or disrupted protein product.

Literature cited by the submitters: PubMed 16199547 (cited by Labcorp Genetics (formerly Invitae), Labcorp); PubMed 19940839 (cited by Labcorp Genetics (formerly Invitae), Labcorp).

NM_138694.4(PKHD1):c.3561-1G>A

Gene: PKHD1 (PKHD1 ciliary IPT domain containing fibrocystin/polyductin; minus strand). Cytogenetic location: 6p12.2.
Variant type: single nucleotide variant.
Coding change: c.3561-1G>A on transcript NM_138694.4 (MANE Select); the canonical splice acceptor site of the intron before coding-DNA position 3561, G replaced by A.
Molecular consequence: splice acceptor variant.
Genome position (GRCh38, 1-based): chr6:52,027,897, C>T on the plus strand (G>A on the coding strand, the complement: PKHD1 is on the minus strand). VCF-style: chr6-52027897-C-T. GRCh37 (hg19) VCF-style: chr6-51892695-C-T.
Other names: c.3561-1G>A (NM_170724.3).
Identifiers: ClinVar variation 948525 (VCV000948525.11), dbSNP rs1802457333, ClinGen allele CA364440152.